The following is an entry in ClinVar:

ClinVar aggregate classification (germline): Pathogenic. Review status: criteria provided, multiple submitters, no conflicts (2 of 4 stars). 2 submissions from 2 submitters: Pathogenic (2). Last evaluated 2025-08-12.

Submissions (2):

GeneDx
Classification: Pathogenic. Last evaluated: 2025-08-12. Review status: criteria provided, single submitter. Criteria: GeneDx Variant Classification Process June 2021. Collection method: clinical testing. Allele origin: germline. Affected: yes.
Comment: Occurs in the triple helical domain and replaces a glycine in a canonical Gly-X-Y repeat; missense substitution of a canonical glycine residue is expected to disrupt normal protein folding and function, and this is an established mechanism of disease (PMID: 34007986); Not observed at significant frequency in large population cohorts (gnomAD); In silico analysis supports that this missense variant has a deleterious effect on protein structure/function; This variant is associated with the following publications: (PMID: 34007986, 38027129, 38495793)

ARUP Laboratories, Molecular Genetics and Genomics, ARUP Laboratories
Classification: Pathogenic. Last evaluated: 2025-06-20. Review status: criteria provided, single submitter. Criteria: ARUP Molecular Germline Variant Investigation Process 2024. Collection method: clinical testing. Allele origin: germline.
Comment: The COL1A1 c.1309G>A; p.Gly437Ser variant is reported as de novo in a fetus affected with osteogenesis imperfecta (Mai 2023). This variant is absent from the Genome Aggregation Database (v2.1.1), indicating it is not a common polymorphism. Additionally, other variants at this codon (c.1310G>C, p.Gly437Ala; c.1310G>A, p.Gly437Asp) have been reported in individuals with osteogenesis imperfecta and are considered disease causing (Li 2019, Pyott 2011). This codon is located in a Gly-X-Y triple helix repeat domain, and glycine substitutions are the most frequent pathogenic alterations in this region (Ben Amor 2011). Computational analyses predict that the p.Gly437Ser variant is deleterious (REVEL: 0.98). Based on available information, this variant is considered to be pathogenic. References: Ben Amor IM et al. Genotype-phenotype correlations in autosomal dominant osteogenesis imperfecta. J Osteoporos. 2011;2011:540178. PMID: 21912751. Li L et al. Genotypic and phenotypic characterization of Chinese patients with osteogenesis imperfecta. Hum Mutat. 2019 May;40(5):588-600. PMID: 30715774. Mai Q et al. Case Report: A novel de novo variant of COL1A1 in fetal genetic osteogenesis imperfecta. Front Endocrinol (Lausanne). 2023 Nov 2;14:1267252. PMID: 38027129. Pyott SM et al. Recurrence of perinatal lethal osteogenesis imperfecta in sibships: parsing the risk between parental mosaicism for dominant mutations and autosomal recessive inheritance. Genet Med. 2011 Feb;13(2):125-30. PMID: 21239989.

NM_000088.4(COL1A1):c.1309G>A (p.Gly437Ser)

Gene: COL1A1 (collagen type I alpha 1 chain; minus strand). Cytogenetic location: 17q21.33.
Variant type: single nucleotide variant.
Coding change: c.1309G>A on transcript NM_000088.4 (MANE Select); coding-DNA position 1309, G replaced by A.
Protein change: p.Gly437Ser; replaces glycine 437 with serine.
Molecular consequence: missense variant.
Genome position (GRCh38, 1-based): chr17:50,195,091, C>T on the plus strand (G>A on the coding strand, the complement: COL1A1 is on the minus strand). VCF-style: chr17-50195091-C-T. GRCh37 (hg19) VCF-style: chr17-48272452-C-T.
Other names: short protein forms G437S.
Identifiers: ClinVar variation 4685907 (VCV004685907.2).